The following is an entry in ClinVar:

NM_004415.4(DSP):c.985C>T (p.Leu329=)

Gene: DSP (desmoplakin; plus strand). Cytogenetic location: 6p24.3.
Variant type: single nucleotide variant.
Coding change: c.985C>T on transcript NM_004415.4 (MANE Select); coding-DNA position 985, C replaced by T.
Protein change: p.Leu329=; no amino-acid change (leucine 329 retained).
Molecular consequence: synonymous variant.
Genome position (GRCh38, 1-based): chr6:7,566,422, C>T. VCF-style: chr6-7566422-C-T. GRCh37 (hg19) VCF-style: chr6-7566655-C-T.
Other names: c.985C>T, p.Leu329= (NM_001008844.3, NM_001319034.2).
Identifiers: ClinVar variation 1332075 (VCV001332075.3), dbSNP rs546320453, ClinGen allele CA053409.

ClinVar aggregate classification (germline): Likely benign. Review status: criteria provided, multiple submitters, no conflicts (2 of 4 stars). 2 submissions from 2 submitters: Likely benign (2). Last evaluated 2023-04-10.

Conditions:
Arrhythmogenic cardiomyopathy with wooly hair and keratoderma. Also called: Carvajal syndrome; Dilated cardiomyopathy with woolly hair and keratoderma; Arrhythmogenic cardiomyopathy with woolly hair and keratoderma; PALMOPLANTAR KERATODERMA WITH LEFT VENTRICULAR CARDIOMYOPATHY AND WOOLLY HAIR. Identifiers: Orphanet 65282, MedGen C1854063, MONDO:0011581, OMIM 605676.
Cardiomyopathy (CMYO). Also called: Cardiomyopathies. Identifiers: Orphanet 167848, MedGen C0878544, MONDO:0004994, HP:0001638. Inheritance: Various modes of inheritance.

Allele frequency attached by ClinVar (database versions not stated): gnomAD exomes below 0.00001; ExAC 0.00001; gnomAD 0.00001; 1000 Genomes Project 0.00020; 1000 Genomes Project 30x 0.00031.
gnomAD v4.1: 2 of 1,613,822 alleles (0.00012%); highest among the groups gnomAD compares: East Asian, 0.0045%; no homozygotes.

Submissions (2):

All of Us Research Program, National Institutes of Health
Classification: Likely benign for Arrhythmogenic cardiomyopathy with wooly hair and keratoderma. Last evaluated: 2023-04-10. Review status: criteria provided, single submitter. Criteria: ACMG Guidelines, 2015. Collection method: clinical testing. Allele origin: germline. Inheritance: Autosomal dominant inheritance. Observed: 1 variant allele, 1 heterozygote.
Comment: This study involves interpretation of variants in research participants for the purpose of population health screening. Participant phenotype was not available at the time of variant classification. Additional details can be found in publication PMID: 35346344, PMCID: PMC8962531

Color Diagnostics, LLC DBA Color Health
Classification: Likely benign for Cardiomyopathy. Last evaluated: 2021-03-03. Review status: criteria provided, single submitter. Criteria: ACMG Guidelines, 2015. Collection method: clinical testing. Allele origin: germline.